The following is an entry in ClinVar:

ClinVar aggregate classification (germline): Uncertain significance (1 of 4 stars; one submission).

Conditions:
Dystonia 27 (DYT27). Identifiers: Orphanet 464440, MedGen C4225336, MONDO:0014627, OMIM 616411.
Bethlem myopathy 1A. Also called: Bethlem myopathy 1; MYOPATHY, BENIGN CONGENITAL, WITH CONTRACTURES; Bethlem Muscular Dystrophy. Identifiers: Orphanet 610, MedGen CN029274, MONDO:0024530, OMIM 158810.
Ullrich congenital muscular dystrophy 1A. Also called: Ullrich congenital muscular dystrophy 1; Intermediate COL6-RD. Identifiers: Orphanet 75840, MedGen C0410179, MONDO:0009681, OMIM 254090.

Submission:

Juno Genomics, Hangzhou Juno Genomics, Inc
Classification: Uncertain significance for Bethlem myopathy 1A; Dystonia 27; Ullrich congenital muscular dystrophy 1A. Review status: criteria provided, single submitter. Criteria: ACMG Guidelines, 2015. Collection method: clinical testing. Allele origin: germline.
Comment: Absent from controls (or at extremely low frequency if recessive) in Genome Aggregation Database.;Null variant in a gene where loss of function (LOF) is a known mechanism of disease.

NM_004369.4(COL6A3):c.7030-2A>G

Gene: COL6A3 (collagen type VI alpha 3 chain; minus strand). Cytogenetic location: 2q37.3.
Variant type: single nucleotide variant.
Coding change: c.7030-2A>G on transcript NM_004369.4 (MANE Select); the canonical splice acceptor site of the intron before coding-DNA position 7030, A replaced by G.
Molecular consequence: splice acceptor variant.
Genome position (GRCh38, 1-based): chr2:237,346,567, T>C on the plus strand (A>G on the coding strand, the complement: COL6A3 is on the minus strand). VCF-style: chr2-237346567-T-C. GRCh37 (hg19) VCF-style: chr2-238255210-T-C.
Other names: c.5209-2A>G (NM_057166.5); c.6412-2A>G (NM_057167.4).
Identifiers: ClinVar variation 5006253 (VCV005006253.2).